The following is an entry in ClinVar:

NM_000083.3(CLCN1):c.523A>G (p.Ser175Gly)

Gene: CLCN1 (chloride voltage-gated channel 1; plus strand). Cytogenetic location: 7q34.
Variant type: single nucleotide variant.
Coding change: c.523A>G on transcript NM_000083.3 (MANE Select); coding-DNA position 523, A replaced by G.
Protein change: p.Ser175Gly; replaces serine 175 with glycine.
Molecular consequence: missense variant. On other transcripts: non-coding transcript variant (1).
Genome position (GRCh38, 1-based): chr7:143,321,454, A>G. VCF-style: chr7-143321454-A-G. GRCh37 (hg19) VCF-style: chr7-143018547-A-G.
Other names: short protein forms S175G.
Identifiers: ClinVar variation 930283 (VCV000930283.8), dbSNP rs555680428, ClinGen allele CA4536973.

ClinVar aggregate classification (germline): Uncertain significance. Review status: criteria provided, multiple submitters, no conflicts (2 of 4 stars). 2 submissions from 2 submitters: Uncertain significance (2). Last evaluated 2024-02-20.

Conditions:
Congenital myotonia, autosomal dominant form (THD). Also called: THOMSEN DISEASE; Myotonia congenita autosomal dominant. Identifiers: Orphanet 614, MedGen C2936781, MONDO:0008055, OMIM 160800.
Congenital myotonia, autosomal recessive form. Also called: Becker Generalized Myotonia; myotonia congenita, autosomal recessive; BECKER DISEASE. Identifiers: Orphanet 614, MedGen C0751360, MONDO:0009715, OMIM 255700.

Allele frequency attached by ClinVar (database versions not stated): gnomAD 0.00001; gnomAD exomes 0.00001 and 0.00002; ExAC 0.00002; 1000 Genomes Project 30x 0.00016; 1000 Genomes Project 0.00020.
gnomAD v4.1: 25 of 1,614,062 alleles (0.0015%); highest among the groups gnomAD compares: Non-Finnish European, 0.002%; no homozygotes.

Submissions (2):

Labcorp Genetics (formerly Invitae), Labcorp
Classification: Uncertain significance for Congenital myotonia, autosomal recessive form; Congenital myotonia, autosomal dominant form. Last evaluated: 2024-02-20. Review status: criteria provided, single submitter. Criteria: Invitae Variant Classification Sherloc (09022015). Collection method: clinical testing. Allele origin: germline.
Comment: This sequence change replaces serine, which is neutral and polar, with glycine, which is neutral and non-polar, at codon 175 of the CLCN1 protein (p.Ser175Gly). This variant is present in population databases (rs555680428, gnomAD 0.003%). This variant has not been reported in the literature in individuals affected with CLCN1-related conditions. ClinVar contains an entry for this variant (Variation ID: 930283). Advanced modeling of protein sequence and biophysical properties (such as structural, functional, and spatial information, amino acid conservation, physicochemical variation, residue mobility, and thermodynamic stability) has been performed at Invitae for this missense variant, however the output from this modeling did not meet the statistical confidence thresholds required to predict the impact of this variant on CLCN1 protein function. In summary, the available evidence is currently insufficient to determine the role of this variant in disease. Therefore, it has been classified as a Variant of Uncertain Significance.

Centre for Mendelian Genomics, University Medical Centre Ljubljana
Classification: Uncertain significance for Congenital myotonia, autosomal recessive form. Last evaluated: 2020-03-28. Review status: criteria provided, single submitter. Criteria: ACMG Guidelines, 2015. Collection method: clinical testing. Allele origin: unknown. Affected: yes.
Comment: This variant was classified as: Uncertain significance. The available evidence on this variant's pathogenicity is insufficient or conflicting. The following ACMG criteria were applied in classifying this variant: PP3.